The following is an entry in ClinVar:

ClinVar aggregate classification (germline): Uncertain significance (1 of 4 stars; one submission).

Conditions:
RASopathy. Also called: rasopathies; Noonan spectrum disorder. Identifiers: Orphanet 536391, MedGen C5555857, MONDO:0021060.

Submission:

Labcorp Genetics (formerly Invitae), Labcorp
Classification: Uncertain significance for RASopathy. Last evaluated: 2022-07-25. Review status: criteria provided, single submitter. Criteria: Invitae Variant Classification Sherloc (09022015). Collection method: clinical testing. Allele origin: germline.
Comment: In summary, the available evidence is currently insufficient to determine the role of this variant in disease. Therefore, it has been classified as a Variant of Uncertain Significance. Experimental studies and prediction algorithms are not available or were not evaluated, and the functional significance of this variant is currently unknown. This variant has not been reported in the literature in individuals affected with CBL-related conditions. This variant is not present in population databases (gnomAD no frequency). This sequence change creates a premature translational stop signal (p.Asn832Leufs*2) in the CBL gene. While this is not anticipated to result in nonsense mediated decay, it is expected to disrupt the last 75 amino acid(s) of the CBL protein.

NM_005188.4(CBL):c.2494_2495del (p.Asn832fs)

Gene: CBL (Cbl proto-oncogene; plus strand). Cytogenetic location: 11q23.3.
Variant type: Deletion.
Coding change: c.2494_2495del on transcript NM_005188.4 (MANE Select); coding-DNA positions 2494 to 2495, 2 bases deleted (AA; older notation c.2494_2495delAA).
Protein change: p.Asn832fs; shifts the reading frame from asparagine 832.
Molecular consequence: frameshift variant.
Genome position (GRCh38, 1-based): chr11:119,299,554-119,299,555, AA deleted. VCF-style (leftmost placement, unchanged base first): chr11-119299553-CAA-C. GRCh37 (hg19) VCF-style: chr11-119170263-CAA-C.
Other names: short protein forms N832fs.
Identifiers: ClinVar variation 2019688 (VCV002019688.4), dbSNP rs2496975727, ClinGen allele CA2580083744.